The following is an entry in ClinVar:

NM_003119.4(SPG7):c.2178G>A (p.Gln726=)

Gene: SPG7 (SPG7 matrix AAA peptidase subunit, paraplegin; plus strand). Cytogenetic location: 16q24.3.
Variant type: single nucleotide variant.
Coding change: c.2178G>A on transcript NM_003119.4 (MANE Select); coding-DNA position 2178, G replaced by A.
Protein change: p.Gln726=; no amino-acid change (glutamine 726 retained).
Molecular consequence: synonymous variant.
Genome position (GRCh38, 1-based): chr16:89,554,560, G>A. VCF-style: chr16-89554560-G-A. GRCh37 (hg19) VCF-style: chr16-89620968-G-A.
Other names: c.2178G>A, p.Gln726= (NM_001363850.1).
Identifiers: ClinVar variation 515626 (VCV000515626.1), dbSNP rs1175352443, ClinGen allele CA497176072.

ClinVar aggregate classification (germline): Likely benign (1 of 4 stars; one submission).

Allele frequency attached by ClinVar (database versions not stated): gnomAD exomes below 0.00001; TOPMed below 0.00001.
gnomAD v4.1: 7 of 1,607,656 alleles (0.00044%); highest among the groups gnomAD compares: Admixed American, 0.0067%; no homozygotes.

Submission:

GeneDx
Classification: Likely benign. Last evaluated: 2018-03-01. Review status: criteria provided, single submitter. Criteria: GeneDx Variant Classification (06012015). Collection method: clinical testing. Allele origin: germline. Affected: yes.
Comment: This variant is considered likely benign or benign based on one or more of the following criteria: it is a conservative change, it occurs at a poorly conserved position in the protein, it is predicted to be benign by multiple in silico algorithms, and/or has population frequency not consistent with disease.